The following is an entry in ClinVar:

ClinVar aggregate classification (germline): Benign. Review status: criteria provided, multiple submitters, no conflicts (2 of 4 stars). 2 submissions from 2 submitters: Benign (2). Last evaluated 2018-01-13.

Conditions:
Inherited prion disease. Identifiers: Orphanet 280400, MedGen C5679775, MONDO:0017234.

Allele frequency attached by ClinVar (database versions not stated): gnomAD exomes 0.00001 and 0.00004; ExAC 0.00010; gnomAD 0.00012 and 0.00013; ESP Exome Variant Server 0.01312; 1000 Genomes Project 0.06110.

Submissions (2):

Illumina Laboratory Services, Illumina
Classification: Benign for Genetic prion diseases. Last evaluated: 2018-01-13. Review status: criteria provided, single submitter. Criteria: ICSL Variant Classification Criteria 13 December 2019. Collection method: clinical testing. Allele origin: germline.
Comment: This variant was observed in the ICSL laboratory as part of a predisposition screen in an ostensibly healthy population. It had not been previously curated by ICSL or reported in the Human Gene Mutation Database (HGMD: prior to June 1st, 2018), and was therefore a candidate for classification through an automated scoring system. Utilizing variant allele frequency, disease prevalence and penetrance estimates, and inheritance mode, an automated score was calculated to assess if this variant is too frequent to cause the disease. Based on the score and internal cut-off values, a variant classified as benign is not then subjected to further curation. The score for this variant resulted in a classification of benign for this disease.

Breakthrough Genomics
Classification: Benign. Review status: criteria provided, single submitter. Criteria: ACMG Guidelines, 2015. Collection method: not provided. Allele origin: germline. Inheritance: Other. Affected: yes.

NM_000311.5(PRNP):c.252T>C (p.Pro84=)

Gene: PRNP (prion protein (Kanno blood group); plus strand). Cytogenetic location: 20p13.
Variant type: single nucleotide variant.
Coding change: c.252T>C on transcript NM_000311.5 (MANE Select); coding-DNA position 252, T replaced by C.
Protein change: p.Pro84=; no amino-acid change (proline 84 retained).
Molecular consequence: synonymous variant. On other transcripts: missense variant (1).
Genome position (GRCh38, 1-based): chr20:4,699,472, T>C. VCF-style: chr20-4699472-T-C. GRCh37 (hg19) VCF-style: chr20-4680118-T-C.
Other names: c.252T>C, p.Pro84= (NM_001080121.3, NM_001080122.3, NM_001080123.3 and 1 more transcripts); c.163T>C, p.Ser55Pro (NM_001271561.3); short protein forms S55P.
Identifiers: ClinVar variation 338649 (VCV000338649.6), dbSNP rs62637686, ClinGen allele CA9752041.